The following is an entry in ClinVar:

ClinVar aggregate classification (germline): Benign. Review status: criteria provided, multiple submitters, no conflicts (2 of 4 stars). 4 submissions from 4 submitters: Benign (3). 1 of the submissions does not count toward it. Last evaluated 2026-02-01.

Conditions:
Meckel syndrome, type 11 (MKS11). Identifiers: Orphanet 564, MedGen C3809352, MONDO:0014164, OMIM 615397.
Joubert syndrome 20 (JBTS20). Identifiers: Orphanet 475, MedGen C3554235, MONDO:0013994, OMIM 614970.

Allele frequency attached by ClinVar (database versions not stated): gnomAD exomes 0.00415; ExAC 0.00476; 1000 Genomes Project 30x 0.01593; 1000 Genomes Project 0.01597; ESP Exome Variant Server 0.01619; gnomAD 0.01695 and 0.01823; TOPMed 0.01866.
gnomAD v4.1: 4,961 of 1,612,598 alleles (0.31%); highest among the groups gnomAD compares: African/African-American, 5.7%; 123 homozygotes.

Submissions (4):

Labcorp Genetics (formerly Invitae), Labcorp
Classification: Benign for Joubert syndrome 20; Meckel syndrome, type 11. Last evaluated: 2026-02-01. Review status: criteria provided, single submitter. Criteria: Invitae Variant Classification Sherloc (09022015). Collection method: clinical testing. Allele origin: germline.

GeneDx
Classification: Benign. Last evaluated: 2016-05-25. Review status: criteria provided, single submitter. Criteria: GeneDx Variant Classification (06012015). Collection method: clinical testing. Allele origin: germline. Affected: yes.
Comment: This variant is considered likely benign or benign based on one or more of the following criteria: it is a conservative change, it occurs at a poorly conserved position in the protein, it is predicted to be benign by multiple in silico algorithms, and/or has population frequency not consistent with disease.

PreventionGenetics, part of Exact Sciences
Classification: Benign. Review status: criteria provided, single submitter. Criteria: ACMG Guidelines, 2015. Collection method: clinical testing. Allele origin: germline.

Genetic Services Laboratory, University of Chicago
Classification: Likely benign for AllHighlyPenetrant. Review status: no assertion criteria provided. Collection method: clinical testing. Allele origin: germline. Inheritance: Autosomal recessive inheritance. Not counted in ClinVar's aggregate classification.
Comment: Likely benign based on allele frequency in 1000 Genomes Project or ESP global frequency and its presence in a patient with a rare or unrelated disease phenotype. NOT Sanger confirmed.

NM_001077418.3(TMEM231):c.582+3A>G

Gene: TMEM231 (transmembrane protein 231; minus strand). Cytogenetic location: 16q23.1.
Variant type: single nucleotide variant.
Coding change: c.582+3A>G on transcript NM_001077418.3 (MANE Select); 3 bases into the intron after coding-DNA position 582, A replaced by G.
Molecular consequence: intron variant.
Genome position (GRCh38, 1-based): chr16:75,545,349, T>C on the plus strand (A>G on the coding strand, the complement: TMEM231 is on the minus strand). VCF-style: chr16-75545349-T-C. GRCh37 (hg19) VCF-style: chr16-75579247-T-C.
Other names: c.741+3A>G (NM_001077416.2).
Identifiers: ClinVar variation 130589 (VCV000130589.17), dbSNP rs114290622, ClinGen allele CA155720.